The following is an entry in ClinVar:

NM_020631.4(PLEKHG5):c.-5995G>A

Gene: PLEKHG5 (pleckstrin homology and RhoGEF domain containing G5; minus strand). Cytogenetic location: 1p36.31.
Variant type: single nucleotide variant.
Coding change: c.-5995G>A on transcript NM_020631.4; 5995 bases upstream of the start codon, G replaced by A.
Molecular consequence: intron variant (on NM_198681.4).
Genome position (GRCh38, 1-based): chr1:6,497,544, C>T on the plus strand (G>A on the coding strand, the complement: PLEKHG5 is on the minus strand). VCF-style: chr1-6497544-C-T. GRCh37 (hg19) VCF-style: chr1-6557604-C-T.
Other names: c.-164-975G>A (NM_198681.4).
Identifiers: ClinVar variation 679406 (VCV000679406.3), dbSNP rs112475272, ClinGen allele CA17196496.

ClinVar aggregate classification (germline): Benign (1 of 4 stars; one submission).

Allele frequency attached by ClinVar (database versions not stated): 1000 Genomes Project 30x 0.08198; gnomAD exomes 0.00727; TOPMed 0.06482; gnomAD 0.05771 and 0.06110; 1000 Genomes Project 0.07668.
gnomAD v4.1: 8,730 of 154,216 alleles (5.7%); highest among the groups gnomAD compares: African/African-American, 19%; 762 homozygotes.

Submission:

GeneDx
Classification: Benign. Last evaluated: 2018-06-16. Review status: criteria provided, single submitter. Criteria: GeneDx Variant Classification (06012015). Collection method: clinical testing. Allele origin: germline. Affected: yes.
Comment: This variant is considered likely benign or benign based on one or more of the following criteria: it is a conservative change, it occurs at a poorly conserved position in the protein, it is predicted to be benign by multiple in silico algorithms, and/or has population frequency not consistent with disease.